The following is an entry in ClinVar:

NM_002047.4(GARS1):c.1264A>C (p.Ile422Leu)

Gene: GARS1 (glycyl-tRNA synthetase 1; plus strand). Cytogenetic location: 7p14.3.
Variant type: single nucleotide variant.
Coding change: c.1264A>C on transcript NM_002047.4 (MANE Select); coding-DNA position 1264, A replaced by C.
Protein change: p.Ile422Leu; replaces isoleucine 422 with leucine.
Molecular consequence: missense variant.
Genome position (GRCh38, 1-based): chr7:30,617,183, A>C. VCF-style: chr7-30617183-A-C. GRCh37 (hg19) VCF-style: chr7-30656799-A-C.
Other names: c.1102A>C, p.Ile368Leu (NM_001316772.1); short protein forms I368L, I422L.
Identifiers: ClinVar variation 2024449 (VCV002024449.4), dbSNP rs2534313845, ClinGen allele CA367127058.

ClinVar aggregate classification (germline): Uncertain significance (1 of 4 stars; one submission).

Conditions:
Charcot-Marie-Tooth disease type 2. Also called: Charcot-Marie-Tooth type 2. Identifiers: Orphanet 64746, MedGen C0270914, MONDO:0018993.

gnomAD v4.1: 1 of 1,614,084 alleles (0.000062%); highest among the groups gnomAD compares: Non-Finnish European, 0.000085%; no homozygotes.

Submission:

Labcorp Genetics (formerly Invitae), Labcorp
Classification: Uncertain significance for Charcot-Marie-Tooth disease type 2. Last evaluated: 2023-05-09. Review status: criteria provided, single submitter. Criteria: Invitae Variant Classification Sherloc (09022015). Collection method: clinical testing. Allele origin: germline.
Comment: In summary, the available evidence is currently insufficient to determine the role of this variant in disease. Therefore, it has been classified as a Variant of Uncertain Significance. Advanced modeling of protein sequence and biophysical properties (such as structural, functional, and spatial information, amino acid conservation, physicochemical variation, residue mobility, and thermodynamic stability) performed at Invitae indicates that this missense variant is not expected to disrupt GARS protein function. ClinVar contains an entry for this variant (Variation ID: 2024449). This variant has not been reported in the literature in individuals affected with GARS-related conditions. This variant is not present in population databases (gnomAD no frequency). This sequence change replaces isoleucine, which is neutral and non-polar, with leucine, which is neutral and non-polar, at codon 422 of the GARS protein (p.Ile422Leu).